The following is an entry in ClinVar:

NM_001134407.3(GRIN2A):c.3468A>T (p.Glu1156Asp)

Gene: GRIN2A (glutamate ionotropic receptor NMDA type subunit 2A; minus strand). Cytogenetic location: 16p13.2.
Variant type: single nucleotide variant.
Coding change: c.3468A>T on transcript NM_001134407.3 (MANE Select); coding-DNA position 3468, A replaced by T.
Protein change: p.Glu1156Asp; replaces glutamic acid 1156 with aspartic acid.
Molecular consequence: missense variant.
Genome position (GRCh38, 1-based): chr16:9,764,076, T>A on the plus strand (A>T on the coding strand, the complement: GRIN2A is on the minus strand). VCF-style: chr16-9764076-T-A. GRCh37 (hg19) VCF-style: chr16-9857933-T-A.
Other names: c.3468A>T, p.Glu1156Asp (NM_000833.5, NM_001134408.2); short protein forms E1156D.
Identifiers: ClinVar variation 510015 (VCV000510015.40), dbSNP rs778180100, ClinGen allele CA7896313.

ClinVar aggregate classification (germline): Benign/Likely benign. Review status: criteria provided, multiple submitters, no conflicts (2 of 4 stars). 4 submissions from 4 submitters: Benign (1); Likely benign (3). Last evaluated 2026-01-28.

Conditions:
Landau-Kleffner syndrome (FESD). Also called: EPILEPSY, FOCAL, WITH SPEECH DISORDER AND WITH OR WITHOUT MENTAL RETARDATION; APHASIA, ACQUIRED, WITH EPILEPSY. Identifiers: Orphanet 1945, Orphanet 725, Orphanet 98818, MedGen C0282512, MONDO:0009509, OMIM 245570.

Allele frequency attached by ClinVar (database versions not stated): gnomAD exomes 0.00007 and 0.00012; gnomAD below 0.00001 and 0.00003; TOPMed 0.00002; ExAC 0.00017.
gnomAD v4.1: 110 of 1,613,466 alleles (0.0068%); highest among the groups gnomAD compares: South Asian, 0.1%; no homozygotes.

Submissions (4):

Labcorp Genetics (formerly Invitae), Labcorp
Classification: Likely benign for Landau-Kleffner syndrome. Last evaluated: 2026-01-28. Review status: criteria provided, single submitter. Criteria: Invitae Variant Classification Sherloc (09022015). Collection method: clinical testing. Allele origin: germline.

CeGaT Center for Human Genetics Tuebingen
Classification: Likely benign. Last evaluated: 2025-07-01. Review status: criteria provided, single submitter. Criteria: CeGaT Center For Human Genetics Tuebingen Variant Classification Criteria Version 2. Collection method: clinical testing. Allele origin: germline. Affected: yes. Observed: 2 variant alleles.
Comment: GRIN2A: BP4, BS1

GeneDx
Classification: Likely benign. Last evaluated: 2018-04-13. Review status: criteria provided, single submitter. Criteria: GeneDx Variant Classification Process June 2021. Collection method: clinical testing. Allele origin: germline. Affected: yes.

Genetic Services Laboratory, University of Chicago
Classification: Benign. Last evaluated: 2017-12-27. Review status: criteria provided, single submitter. Criteria: ACMG Guidelines, 2015. Collection method: clinical testing. Allele origin: germline. Affected: no.